The following is an entry in ClinVar:

ClinVar aggregate classification (germline): Benign (1 of 4 stars; one submission).

Conditions:
Multiple endocrine neoplasia type 2A. Also called: Multiple Endocrine Neoplasia Type 2A (MEN2A); MULTIPLE ENDOCRINE NEOPLASIA, TYPE IIA; PTC SYNDROME; SIPPLE SYNDROME; MEN 2A; MEN-2A syndrome. Identifiers: Orphanet 247698, Orphanet 653, MedGen C0025268, MeSH D018813, MONDO:0008234, OMIM 171400.

Submission:

Myriad Genetics, Inc.
Classification: Benign for Multiple endocrine neoplasia type 2A. Last evaluated: 2025-02-27. Review status: criteria provided, single submitter. Criteria: Myriad Autosomal Dominant, Autosomal Recessive and X-Linked Classification Criteria (2023). Collection method: clinical testing. Allele origin: unknown.
Comment: This variant is considered benign. This variant is a silent/synonymous amino acid change and it is not expected to impact splicing.

NM_020975.6(RET):c.2400C>A (p.Leu800=)

Gene: RET (ret proto-oncogene; plus strand). Cytogenetic location: 10q11.21.
Variant type: single nucleotide variant.
Coding change: c.2400C>A on transcript NM_020975.6 (MANE Select); coding-DNA position 2400, C replaced by A.
Protein change: p.Leu800=; no amino-acid change (leucine 800 retained).
Molecular consequence: synonymous variant.
Genome position (GRCh38, 1-based): chr10:43,119,538, C>A. VCF-style: chr10-43119538-C-A. GRCh37 (hg19) VCF-style: chr10-43614986-C-A.
Other names: c.1638C>A, p.Leu546= (NM_001355216.2); c.2400C>A, p.Leu800= (NM_001406743.1, NM_001406744.1, NM_001406759.1 and 2 more transcripts); c.2271C>A, p.Leu757= (NM_001406761.1, NM_001406762.1, NM_001406764.1); c.2265C>A, p.Leu755= (NM_001406763.1, NM_001406765.1); c.2112C>A, p.Leu704= (NM_001406766.1, NM_001406767.1, NM_001406770.1); c.2136C>A, p.Leu712= (NM_001406768.1); c.2004C>A, p.Leu668= (NM_001406769.1, NM_001406772.1); c.1962C>A, p.Leu654= (NM_001406771.1, NM_001406773.1); and 10 more.
Identifiers: ClinVar variation 3904667 (VCV003904667.1).